The following is an entry in ClinVar:

ClinVar aggregate classification (germline): Uncertain significance (0 of 4 stars; one submission).

Conditions:
WDPCP-related disorder. Also called: WDPCP-related condition.

Submission:

PreventionGenetics, part of Exact Sciences
Classification: Uncertain significance for WDPCP-related condition. Last evaluated: 2024-06-12. Review status: no assertion criteria provided. Collection method: clinical testing. Allele origin: germline.
Comment: The WDPCP c.22+8A>G variant is predicted to interfere with splicing. To our knowledge, this variant has not been reported in the literature or in a large population database, indicating this variant is rare. At this time, the clinical significance of this variant is uncertain due to the absence of conclusive functional and genetic evidence.

NM_015910.7(WDPCP):c.500-300A>G

Gene: WDPCP (WD repeat containing planar cell polarity effector; minus strand). Cytogenetic location: 2p15.
Variant type: single nucleotide variant.
Coding change: c.500-300A>G on transcript NM_015910.7 (MANE Select); 300 bases into the intron before coding-DNA position 500, A replaced by G.
Molecular consequence: intron variant.
Genome position (GRCh38, 1-based): chr2:63,437,854, T>C on the plus strand (A>G on the coding strand, the complement: WDPCP is on the minus strand). VCF-style: chr2-63437854-T-C. GRCh37 (hg19) VCF-style: chr2-63664988-T-C.
Other names: c.428-300A>G (NM_001354044.2); c.22+8A>G (NM_001042692.3); c.500-300A>G (NM_001354045.2).
Identifiers: ClinVar variation 3344256 (VCV003344256.1).